The following is an entry in ClinVar:

ClinVar aggregate classification (germline): Likely benign (1 of 4 stars; one submission).

Allele frequency attached by ClinVar (database versions not stated): gnomAD exomes below 0.00001; TOPMed below 0.00001; gnomAD 0.00001.
gnomAD v4.1: 2 of 1,568,660 alleles (0.00013%); highest among the groups gnomAD compares: Non-Finnish European, 0.00017%; no homozygotes.

Submission:

CeGaT Center for Human Genetics Tuebingen
Classification: Likely benign. Last evaluated: 2022-08-01. Review status: criteria provided, single submitter. Criteria: CeGaT Center For Human Genetics Tuebingen Variant Classification Criteria Version 2. Collection method: clinical testing. Allele origin: germline. Affected: yes. Observed: 1 variant allele.
Comment: INF2: BP4, BP7

NM_022489.4(INF2):c.2388C>T (p.Asn796=)

Gene: INF2 (inverted formin 2; plus strand). Cytogenetic location: 14q32.33.
Variant type: single nucleotide variant.
Coding change: c.2388C>T on transcript NM_022489.4 (MANE Select); coding-DNA position 2388, C replaced by T.
Protein change: p.Asn796=; no amino-acid change (asparagine 796 retained).
Molecular consequence: synonymous variant.
Genome position (GRCh38, 1-based): chr14:104,711,156, C>T. VCF-style: chr14-104711156-C-T. GRCh37 (hg19) VCF-style: chr14-105177493-C-T.
Other names: c.2388C>T, p.Asn796= (NM_001031714.4).
Identifiers: ClinVar variation 1711375 (VCV001711375.30), dbSNP rs1890028353, ClinGen allele CA488446792.